The following is an entry in ClinVar:

ClinVar aggregate classification (germline): Pathogenic (1 of 4 stars; one submission).

Conditions:
Isovaleryl-CoA dehydrogenase deficiency (IVA). Also called: ISOVALERIC ACID CoA DEHYDROGENASE DEFICIENCY; Isovaleric acidemia; Classic Isovaleric Acidemia; IVD DEFICIENCY. Identifiers: Orphanet 33, MedGen C0268575, MONDO:0009475, OMIM 243500.

Submission:

Natera, Inc.
Classification: Pathogenic for Isovaleryl-coa dehydrogenase deficiency. Last evaluated: 2025-07-23. Review status: criteria provided, single submitter. Criteria: Natera Variant Classification Schema (03/2026). Collection method: clinical testing. Allele origin: germline.
Comment: The c.466-1G>T variant in IVD is a canonical splice acceptor site variant predicted to affect pre-mRNA splicing, which may result in an abnormal transcript and altered protein product. This variant is expected to result in nonsense mediated decay, truncation, or a dysfunctional protein product. This variant is rare in the general population with a frequency below the threshold expected for the associated phenotype(s). Another variant at this same site results in an alteration predicted to cause a similar molecular effect has been observed in individual(s) with the associated phenotype. Given the available evidence, this variant is classified as Pathogenic.

NM_002225.5(IVD):c.457-1G>T

Gene: IVD (isovaleryl-CoA dehydrogenase; plus strand). Cytogenetic location: 15q15.1.
Variant type: single nucleotide variant.
Coding change: c.457-1G>T on transcript NM_002225.5 (MANE Select); the canonical splice acceptor site of the intron before coding-DNA position 457, G replaced by T.
Molecular consequence: splice acceptor variant.
Genome position (GRCh38, 1-based): chr15:40,411,259, G>T. VCF-style: chr15-40411259-G-T. GRCh37 (hg19) VCF-style: chr15-40703458-G-T.
Other names: c.544-1G>T (NM_001354600.3, NM_001354599.3); c.457-1G>T (NM_001354598.3, NM_001354601.3); c.409-1G>T (NM_001354597.3); c.367-1G>T (NM_001159508.3).
Identifiers: ClinVar variation 4815002 (VCV004815002.1).